The following is an entry in ClinVar:

NM_020821.3(VPS13C):c.3990T>A (p.Asn1330Lys)

Gene: VPS13C (vacuolar protein sorting 13 homolog C; minus strand). Cytogenetic location: 15q22.2.
Variant type: single nucleotide variant.
Coding change: c.3990T>A on transcript NM_020821.3 (MANE Select); coding-DNA position 3990, T replaced by A.
Protein change: p.Asn1330Lys; replaces asparagine 1330 with lysine.
Molecular consequence: missense variant.
Genome position (GRCh38, 1-based): chr15:61,959,514, A>T on the plus strand (T>A on the coding strand, the complement: VPS13C is on the minus strand). VCF-style: chr15-61959514-A-T. GRCh37 (hg19) VCF-style: chr15-62251713-A-T.
Other names: c.3990T>A, p.Asn1330Lys (NM_001018088.3); c.3861T>A, p.Asn1287Lys (NM_017684.5, NM_018080.4); short protein forms N1287K, N1330K.
Identifiers: ClinVar variation 1364761 (VCV001364761.8), dbSNP rs750879186, ClinGen allele CA392701039.

ClinVar aggregate classification (germline): Uncertain significance (1 of 4 stars; one submission).

Submission:

Labcorp Genetics (formerly Invitae), Labcorp
Classification: Uncertain significance. Last evaluated: 2022-03-18. Review status: criteria provided, single submitter. Criteria: Invitae Variant Classification Sherloc (09022015). Collection method: clinical testing. Allele origin: germline.
Comment: This sequence change replaces asparagine, which is neutral and polar, with lysine, which is basic and polar, at codon 1330 of the VPS13C protein (p.Asn1330Lys). This variant is not present in population databases (gnomAD no frequency). This variant has not been reported in the literature in individuals affected with VPS13C-related conditions. Algorithms developed to predict the effect of missense changes on protein structure and function are either unavailable or do not agree on the potential impact of this missense change (SIFT: "Deleterious"; PolyPhen-2: "Probably Damaging"; Align-GVGD: "Class C0"). In summary, the available evidence is currently insufficient to determine the role of this variant in disease. Therefore, it has been classified as a Variant of Uncertain Significance.